The following is an entry in ClinVar:

NM_001042492.3(NF1):c.3464C>T (p.Ala1155Val)

Gene: NF1 (neurofibromin 1; plus strand). Cytogenetic location: 17q11.2.
Variant type: single nucleotide variant.
Coding change: c.3464C>T on transcript NM_001042492.3 (MANE Select); coding-DNA position 3464, C replaced by T.
Protein change: p.Ala1155Val; replaces alanine 1155 with valine.
Molecular consequence: missense variant.
Genome position (GRCh38, 1-based): chr17:31,232,849, C>T. VCF-style: chr17-31232849-C-T. GRCh37 (hg19) VCF-style: chr17-29559867-C-T.
Other names: c.3464C>T, p.Ala1155Val (NM_000267.4); short protein forms A1155V.
Identifiers: ClinVar variation 2012074 (VCV002012074.4), dbSNP rs1597719654, ClinGen allele CA398989373.

ClinVar aggregate classification (germline): Uncertain significance (1 of 4 stars; one submission).

Conditions:
Neurofibromatosis, type 1 (NF1). Also called: Neurofibromatosis, type I; Peripheral type neurofibromatosis; VON RECKLINGHAUSEN DISEASE; NEUROFIBROMATOSIS, TYPE I, SOMATIC. Identifiers: Orphanet 636, MedGen C0027831, MONDO:0018975, OMIM 162200. Disease mechanism: loss of function.

Submission:

Labcorp Genetics (formerly Invitae), Labcorp
Classification: Uncertain significance for Neurofibromatosis, type 1. Last evaluated: 2024-11-04. Review status: criteria provided, single submitter. Criteria: Invitae Variant Classification Sherloc (09022015). Collection method: clinical testing. Allele origin: germline.
Comment: This sequence change replaces alanine, which is neutral and non-polar, with valine, which is neutral and non-polar, at codon 1155 of the NF1 protein (p.Ala1155Val). This variant is not present in population databases (gnomAD no frequency). This variant has not been reported in the literature in individuals affected with NF1-related conditions. ClinVar contains an entry for this variant (Variation ID: 2012074). Invitae Evidence Modeling of protein sequence and biophysical properties (such as structural, functional, and spatial information, amino acid conservation, physicochemical variation, residue mobility, and thermodynamic stability) indicates that this missense variant is expected to disrupt NF1 protein function with a positive predictive value of 95%. In summary, the available evidence is currently insufficient to determine the role of this variant in disease. Therefore, it has been classified as a Variant of Uncertain Significance.